The following is an entry in ClinVar:

NM_000719.7(CACNA1C):c.5797G>T (p.Ala1933Ser)

Genes: CACNA1C (calcium voltage-gated channel subunit alpha1 C; plus strand), CACNA1C-AS1 (CACNA1C antisense RNA 1; minus strand). Cytogenetic location: 12p13.33.
Variant type: single nucleotide variant.
Coding change: c.5797G>T on transcript NM_000719.7 (MANE Select); coding-DNA position 5797, G replaced by T.
Protein change: p.Ala1933Ser; replaces alanine 1933 with serine.
Molecular consequence: missense variant.
Genome position (GRCh38, 1-based): chr12:2,688,459, G>T. VCF-style: chr12-2688459-G-T. GRCh37 (hg19) VCF-style: chr12-2797625-G-T.
Other names: c.5941G>T, p.Ala1981Ser (NM_001129827.2); c.5920G>T, p.Ala1974Ser (NM_001129829.2); c.5902G>T, p.Ala1968Ser (NM_001129830.3, NM_001167624.3); c.5881G>T, p.Ala1961Ser (NM_001129831.2); c.5857G>T, p.Ala1953Ser (NM_001129832.2); c.5854G>T, p.Ala1952Ser (NM_001129833.2, NM_001129834.2, NM_001129835.2); c.5848G>T, p.Ala1950Ser (NM_001129836.2); c.5821G>T, p.Ala1941Ser (NM_001129837.2, NM_001129838.2); and 6 more; short protein forms A1922S, A1930S, A1933S, A1939S, A1941S, A1950S, A1952S, A1953S.
Identifiers: ClinVar variation 3606173 (VCV003606173.3).

ClinVar aggregate classification (germline): Uncertain significance. Review status: criteria provided, multiple submitters, no conflicts (2 of 4 stars). 2 submissions from 2 submitters: Uncertain significance (2). Last evaluated 2026-02-28.

Conditions:
Long QT syndrome (LQTS). Identifiers: MedGen C0023976, MeSH D008133, MONDO:0002442. Disease mechanism: loss of function. Inheritance: Various modes of inheritance.

gnomAD v4.1: 1 of 1,613,676 alleles (0.000062%); highest among the groups gnomAD compares: Non-Finnish European, 0.000085%; no homozygotes.

Submissions (2):

GeneDx
Classification: Uncertain significance. Last evaluated: 2026-02-28. Review status: criteria provided, single submitter. Criteria: GeneDx Variant Classification Process June 2021. Collection method: clinical testing. Allele origin: germline.
Comment: Not observed at significant frequency in large population cohorts (gnomAD); In silico analysis suggests that this missense variant does not alter protein structure/function; Has not been previously published as pathogenic or benign to our knowledge

Labcorp Genetics (formerly Invitae), Labcorp
Classification: Uncertain significance for Long QT syndrome. Last evaluated: 2024-06-03. Review status: criteria provided, single submitter. Criteria: Invitae Variant Classification Sherloc (09022015). Collection method: clinical testing. Allele origin: germline.
Comment: This sequence change replaces alanine, which is neutral and non-polar, with serine, which is neutral and polar, at codon 1933 of the CACNA1C protein (p.Ala1933Ser). This variant is present in population databases (no rsID available, gnomAD 0.0009%). This variant has not been reported in the literature in individuals affected with CACNA1C-related conditions. Advanced modeling of protein sequence and biophysical properties (such as structural, functional, and spatial information, amino acid conservation, physicochemical variation, residue mobility, and thermodynamic stability) performed at Invitae indicates that this missense variant is not expected to disrupt CACNA1C protein function with a negative predictive value of 95%. In summary, the available evidence is currently insufficient to determine the role of this variant in disease. Therefore, it has been classified as a Variant of Uncertain Significance.